The following is an entry in ClinVar:

NM_000264.5(PTCH1):c.2561-1G>C

Gene: PTCH1 (patched 1; minus strand). Cytogenetic location: 9q22.32.
Variant type: single nucleotide variant.
Coding change: c.2561-1G>C on transcript NM_000264.5 (MANE Select); the canonical splice acceptor site of the intron before coding-DNA position 2561, G replaced by C.
Molecular consequence: splice acceptor variant.
Genome position (GRCh38, 1-based): chr9:95,461,999, C>G on the plus strand (G>C on the coding strand, the complement: PTCH1 is on the minus strand). VCF-style: chr9-95461999-C-G. GRCh37 (hg19) VCF-style: chr9-98224281-C-G.
Other names: c.2558-1G>C (NM_001083603.3); c.2363-1G>C (NM_001083602.3); c.2405-1G>C (NM_001354918.2); c.2108-1G>C (NM_001083605.3, NM_001083604.3, NM_001083606.3 and 1 more transcripts).
Identifiers: ClinVar variation 4998002 (VCV004998002.1).

ClinVar aggregate classification (germline): Likely pathogenic (1 of 4 stars; one submission).

Conditions:
PTCH1-related disorder. Also called: PTCH1-related disorders; PTCH1-related condition.

Submission:

PreventionGenetics, part of Exact Sciences
Classification: Likely pathogenic for PTCH1-related condition. Last evaluated: 2025-06-26. Review status: criteria provided, single submitter. Criteria: ACMG Guidelines, 2015. Collection method: clinical testing. Allele origin: germline.
Comment: The PTCH1 c.2561-1G>C variant is predicted to disrupt the AG splice acceptor site and interfere with normal splicing. To our knowledge, this variant has not been reported in the literature or in a large population database (gnomAD), indicating this variant is rare. At the time of reporting, this variant had not yet been reported in ClinVar. Variants that disrupt the consensus splice acceptor site in PTCH1 are expected to be pathogenic. This variant is interpreted as likely pathogenic.